The following is an entry in ClinVar:

NM_006506.5(RASA2):c.1273A>G (p.Ile425Val)

Gene: RASA2 (RAS p21 protein activator 2; plus strand). Cytogenetic location: 3q23.
Variant type: single nucleotide variant.
Coding change: c.1273A>G on transcript NM_006506.5 (MANE Select); coding-DNA position 1273, A replaced by G.
Protein change: p.Ile425Val; replaces isoleucine 425 with valine.
Molecular consequence: missense variant.
Genome position (GRCh38, 1-based): chr3:141,572,712, A>G. VCF-style: chr3-141572712-A-G. GRCh37 (hg19) VCF-style: chr3-141291554-A-G.
Other names: c.1273A>G, p.Ile425Val (NM_001303245.3, NM_001303246.3); short protein forms I425V.
Identifiers: ClinVar variation 1519422 (VCV001519422.11), dbSNP rs774728183, ClinGen allele CA2645447.

ClinVar aggregate classification (germline): Uncertain significance. Review status: criteria provided, multiple submitters, no conflicts (2 of 4 stars). 2 submissions from 2 submitters: Uncertain significance (2). Last evaluated 2025-07-28.

Allele frequency attached by ClinVar (database versions not stated): ExAC 0.00002; gnomAD 0.00003 and 0.00004; TOPMed 0.00011.
gnomAD v4.1: 21 of 1,600,372 alleles (0.0013%); highest among the groups gnomAD compares: African/African-American, 0.0094%; no homozygotes.

Submissions (2):

Labcorp Genetics (formerly Invitae), Labcorp
Classification: Uncertain significance. Last evaluated: 2025-07-28. Review status: criteria provided, single submitter. Criteria: Invitae Variant Classification Sherloc (09022015). Collection method: clinical testing. Allele origin: germline.
Comment: This sequence change replaces isoleucine, which is neutral and non-polar, with valine, which is neutral and non-polar, at codon 425 of the RASA2 protein (p.Ile425Val). This variant is present in population databases (rs774728183, gnomAD 0.01%). This variant has not been reported in the literature in individuals affected with RASA2-related conditions. ClinVar contains an entry for this variant (Variation ID: 1519422). Invitae Evidence Modeling of protein sequence and biophysical properties (such as structural, functional, and spatial information, amino acid conservation, physicochemical variation, residue mobility, and thermodynamic stability) indicates that this missense variant is not expected to disrupt RASA2 protein function with a negative predictive value of 80%. In summary, the available evidence is currently insufficient to determine the role of this variant in disease. Therefore, it has been classified as a Variant of Uncertain Significance.

Ambry Genetics
Classification: Uncertain significance. Last evaluated: 2024-05-26. Review status: criteria provided, single submitter. Criteria: Ambry Variant Classification Scheme 2023. Collection method: clinical testing. Allele origin: germline.
Comment: The p.I425V variant (also known as c.1273A>G), located in coding exon 12 of the RASA2 gene, results from an A to G substitution at nucleotide position 1273. The isoleucine at codon 425 is replaced by valine, an amino acid with highly similar properties. This amino acid position is conserved. In addition, this alteration is predicted to be tolerated by in silico analysis. Since supporting evidence is limited at this time, the clinical significance of this alteration remains unclear.